The following is an entry in ClinVar:

NM_152415.3(VPS37A):c.577G>A (p.Ala193Thr)

Gene: VPS37A (VPS37A subunit of ESCRT-I; plus strand). Cytogenetic location: 8p22.
Variant type: single nucleotide variant.
Coding change: c.577G>A on transcript NM_152415.3 (MANE Select); coding-DNA position 577, G replaced by A.
Protein change: p.Ala193Thr; replaces alanine 193 with threonine.
Molecular consequence: missense variant.
Genome position (GRCh38, 1-based): chr8:17,274,893, G>A. VCF-style: chr8-17274893-G-A. GRCh37 (hg19) VCF-style: chr8-17132402-G-A.
Other names: c.502G>A, p.Ala168Thr (NM_001145152.2); c.577G>A, p.Ala193Thr (NM_001363167.1, NM_001363173.2); c.307G>A, p.Ala103Thr (NM_001363168.1, NM_001363169.1, NM_001363170.1 and 2 more transcripts); short protein forms A168T, A103T, A193T.
Identifiers: ClinVar variation 2335570 (VCV002335570.6), dbSNP rs374964443, ClinGen allele CA4643359.

ClinVar aggregate classification (germline): Uncertain significance. Review status: criteria provided, multiple submitters, no conflicts (2 of 4 stars). 2 submissions from 2 submitters: Uncertain significance (2). Last evaluated 2025-06-03.

Conditions:
Hereditary spastic paraplegia 53. Also called: Spastic paraplegia 53, autosomal recessive. Identifiers: Orphanet 319199, MedGen C3539494, MONDO:0013962, OMIM 614898.

Allele frequency attached by ClinVar (database versions not stated): ExAC 0.00007; ESP Exome Variant Server 0.00008; gnomAD 0.00011; TOPMed 0.00022; 1000 Genomes Project 30x 0.00031.
gnomAD v4.1: 70 of 1,614,056 alleles (0.0043%); highest among the groups gnomAD compares: African/African-American, 0.061%; no homozygotes.

Submissions (2):

Ambry Genetics
Classification: Uncertain significance. Last evaluated: 2025-06-03. Review status: criteria provided, single submitter. Criteria: Ambry Variant Classification Scheme 2023. Collection method: clinical testing. Allele origin: germline.

Labcorp Genetics (formerly Invitae), Labcorp
Classification: Uncertain significance for Hereditary spastic paraplegia 53. Last evaluated: 2024-06-26. Review status: criteria provided, single submitter. Criteria: Invitae Variant Classification Sherloc (09022015). Collection method: clinical testing. Allele origin: germline.
Comment: This sequence change replaces alanine, which is neutral and non-polar, with threonine, which is neutral and polar, at codon 193 of the VPS37A protein (p.Ala193Thr). This variant is present in population databases (rs374964443, gnomAD 0.08%), and has an allele count higher than expected for a pathogenic variant. This variant has not been reported in the literature in individuals affected with VPS37A-related conditions. ClinVar contains an entry for this variant (Variation ID: 2335570). Advanced modeling of protein sequence and biophysical properties (such as structural, functional, and spatial information, amino acid conservation, physicochemical variation, residue mobility, and thermodynamic stability) has been performed at Invitae for this missense variant, however the output from this modeling did not meet the statistical confidence thresholds required to predict the impact of this variant on VPS37A protein function. In summary, the available evidence is currently insufficient to determine the role of this variant in disease. Therefore, it has been classified as a Variant of Uncertain Significance.